The following is an entry in ClinVar:

ClinVar aggregate classification (germline): Likely benign. Review status: criteria provided, multiple submitters, no conflicts (2 of 4 stars). 3 submissions from 3 submitters: Likely benign (2). 1 of the submissions does not count toward it. Last evaluated 2025-02-23.

Conditions:
SIX2-related disorder. Also called: SIX2-related condition.

Allele frequency attached by ClinVar (database versions not stated): 1000 Genomes Project 30x 0.00016; ESP Exome Variant Server 0.00077.
gnomAD v4.1: 1,567 of 1,614,180 alleles (0.097%); highest among the groups gnomAD compares: Non-Finnish European, 0.13%; 1 homozygote.

Submissions (3):

Labcorp Genetics (formerly Invitae), Labcorp
Classification: Likely benign. Last evaluated: 2025-02-23. Review status: criteria provided, single submitter. Criteria: Invitae Variant Classification Sherloc (09022015). Collection method: clinical testing. Allele origin: germline.

Blueprint Genetics
Classification: Likely benign. Last evaluated: 2024-10-31. Review status: criteria provided, single submitter. Criteria: ACMG Guidelines, 2015. Collection method: clinical testing. Allele origin: germline.

PreventionGenetics, part of Exact Sciences
Classification: Likely benign for SIX2-related condition. Last evaluated: 2020-01-24. Review status: no assertion criteria provided. Collection method: clinical testing. Allele origin: germline. Not counted in ClinVar's aggregate classification.
Comment: This variant is classified as likely benign based on ACMG/AMP sequence variant interpretation guidelines (Richards et al. 2015 PMID: 25741868, with internal and published modifications).

NM_016932.5(SIX2):c.774G>C (p.Pro258=)

Gene: SIX2 (SIX homeobox 2; minus strand). Cytogenetic location: 2p21.
Variant type: single nucleotide variant.
Coding change: c.774G>C on transcript NM_016932.5 (MANE Select); coding-DNA position 774, G replaced by C.
Protein change: p.Pro258=; no amino-acid change (proline 258 retained).
Molecular consequence: synonymous variant.
Genome position (GRCh38, 1-based): chr2:45,006,272, C>G on the plus strand (G>C on the coding strand, the complement: SIX2 is on the minus strand). VCF-style: chr2-45006272-C-G. GRCh37 (hg19) VCF-style: chr2-45233411-C-G.
Other names: c.774G>C (NM_016932.4).
Identifiers: ClinVar variation 1569693 (VCV001569693.11), dbSNP rs150988696, ClinGen allele CA1642469.
Genomic context (GRCh38, chr2:45,006,272, plus strand): 5'-GATGGAGTCCTGCAGGCCATGGTGGTGTTGCAGTGGGTCCGCTCCACCTCCGCCTGGCAC[C>G]GGCACTGGCACTGCGCTGGGGCCCGGAGGGTGGCCCAGGCTGTGCAGGGACGGCAGCCCA-3'
Protein context (NP_058628.3, residues 248-268): HPPGPSAVPV[Pro258=]VPGGGGADPL